The following is an entry in ClinVar:

ClinVar aggregate classification (germline): Uncertain significance. Review status: criteria provided, multiple submitters, no conflicts (2 of 4 stars). 3 submissions from 3 submitters: Uncertain significance (3). Last evaluated 2024-04-01.

Conditions:
Inborn genetic diseases. Identifiers: MedGen C0950123, MeSH D030342.

Allele frequency attached by ClinVar (database versions not stated): ExAC 0.00007; TOPMed 0.00008; gnomAD 0.00011; gnomAD exomes 0.00019; ESP Exome Variant Server 0.00031.
gnomAD v4.1: 295 of 1,614,076 alleles (0.018%); highest among the groups gnomAD compares: Non-Finnish European, 0.024%; no homozygotes.

Submissions (3):

Ambry Genetics
Classification: Uncertain significance for Inborn genetic diseases. Last evaluated: 2024-04-01. Review status: criteria provided, single submitter. Criteria: Ambry Variant Classification Scheme 2023. Collection method: clinical testing. Allele origin: germline.

Clinical Genetics Laboratory, Skane University Hospital Lund
Classification: Uncertain significance. Last evaluated: 2023-06-26. Review status: criteria provided, single submitter. Criteria: ACMG Guidelines, 2015. Collection method: clinical testing. Allele origin: germline. Affected: yes.

Labcorp Genetics (formerly Invitae), Labcorp
Classification: Uncertain significance. Last evaluated: 2022-07-19. Review status: criteria provided, single submitter. Criteria: Invitae Variant Classification Sherloc (09022015). Collection method: clinical testing. Allele origin: germline.
Comment: This sequence change replaces asparagine, which is neutral and polar, with serine, which is neutral and polar, at codon 1038 of the DMXL2 protein (p.Asn1038Ser). This variant is present in population databases (rs367615571, gnomAD 0.02%). This variant has not been reported in the literature in individuals affected with DMXL2-related conditions. Algorithms developed to predict the effect of missense changes on protein structure and function output the following: SIFT: "Tolerated"; PolyPhen-2: "Benign"; Align-GVGD: "Class C0". The serine amino acid residue is found in multiple mammalian species, which suggests that this missense change does not adversely affect protein function. In summary, the available evidence is currently insufficient to determine the role of this variant in disease. Therefore, it has been classified as a Variant of Uncertain Significance.

NM_001378457.1(DMXL2):c.3113A>G (p.Asn1038Ser)

Gene: DMXL2 (Dmx like 2; minus strand). Cytogenetic location: 15q21.2.
Variant type: single nucleotide variant.
Coding change: c.3113A>G on transcript NM_001378457.1 (MANE Select); coding-DNA position 3113, A replaced by G.
Protein change: p.Asn1038Ser; replaces asparagine 1038 with serine.
Molecular consequence: missense variant. On other transcripts: non-coding transcript variant (2), intron variant (2).
Genome position (GRCh38, 1-based): chr15:51,500,111, T>C on the plus strand (A>G on the coding strand, the complement: DMXL2 is on the minus strand). VCF-style: chr15-51500111-T-C. GRCh37 (hg19) VCF-style: chr15-51792308-T-C.
Other names: c.3113A>G, p.Asn1038Ser (NM_001174116.3, NM_001378458.1, NM_001378459.1 and 4 more transcripts); c.2873A>G, p.Asn958Ser (NM_001378464.1); c.2764+7023A>G (NM_001378460.1); c.2765-4977A>G (NM_001174117.3); c.3113A>G (NM_001174116.1); short protein forms N1038S, N958S.
Identifiers: ClinVar variation 2056976 (VCV002056976.3), dbSNP rs367615571, ClinGen allele CA7562206.
Genomic context (GRCh38, chr15:51,500,111, plus strand): 5'-CCTTCATCATTCATCAAAGGCCATCTCTTCCAATGATAAATTTCTTTCTCATCACTTTTA[T>C]TACACTCTGGGTTGGCTTCCATACAACATTTCCAGAAGCGTACTTTATTGTCAGAACAAG-3'
Protein context (NP_001365386.1, residues 1028-1048): KCCMEANPEC[Asn1038Ser]KSDEKEIYHW